The following is an entry in ClinVar:

ClinVar aggregate classification (germline): Uncertain significance. Review status: criteria provided, multiple submitters, no conflicts (2 of 4 stars). 2 submissions from 2 submitters: Uncertain significance (2). Last evaluated 2025-10-09.

Conditions:
Inborn genetic diseases. Identifiers: MedGen C0950123, MeSH D030342.

Allele frequency attached by ClinVar (database versions not stated): gnomAD exomes 0.00001 and 0.00004; TOPMed 0.00002; gnomAD 0.00003; ExAC 0.00006; 1000 Genomes Project 30x 0.00016; 1000 Genomes Project 0.00020.

Submissions (2):

Labcorp Genetics (formerly Invitae), Labcorp
Classification: Uncertain significance. Last evaluated: 2025-10-09. Review status: criteria provided, single submitter. Criteria: Invitae Variant Classification Sherloc (09022015). Collection method: clinical testing. Allele origin: germline.
Comment: This sequence change replaces isoleucine, which is neutral and non-polar, with threonine, which is neutral and polar, at codon 65 of the SAMD9 protein (p.Ile65Thr). This variant is present in population databases (rs530019742, gnomAD 0.05%). This variant has not been reported in the literature in individuals affected with SAMD9-related conditions. ClinVar contains an entry for this variant (Variation ID: 1394910). Invitae Evidence Modeling of protein sequence and biophysical properties (such as structural, functional, and spatial information, amino acid conservation, physicochemical variation, residue mobility, and thermodynamic stability) indicates that this missense variant is not expected to disrupt SAMD9 protein function with a negative predictive value of 95%. In summary, the available evidence is currently insufficient to determine the role of this variant in disease. Therefore, it has been classified as a Variant of Uncertain Significance.

Ambry Genetics
Classification: Uncertain significance for Inborn genetic diseases. Last evaluated: 2024-11-22. Review status: criteria provided, single submitter. Criteria: Ambry Variant Classification Scheme 2023. Collection method: clinical testing. Allele origin: germline.
Comment: The p.I65T variant (also known as c.194T>C), located in coding exon 1 of the SAMD9 gene, results from a T to C substitution at nucleotide position 194. The isoleucine at codon 65 is replaced by threonine, an amino acid with similar properties. This amino acid position is conserved. In addition, this alteration is predicted to be tolerated by in silico analysis. Based on the available evidence, the clinical significance of this variant remains unclear.

NM_017654.4(SAMD9):c.194T>C (p.Ile65Thr)

Gene: SAMD9 (sterile alpha motif domain containing 9; minus strand). Cytogenetic location: 7q21.2.
Variant type: single nucleotide variant.
Coding change: c.194T>C on transcript NM_017654.4 (MANE Select); coding-DNA position 194, T replaced by C.
Protein change: p.Ile65Thr; replaces isoleucine 65 with threonine.
Molecular consequence: missense variant.
Genome position (GRCh38, 1-based): chr7:93,105,904, A>G on the plus strand (T>C on the coding strand, the complement: SAMD9 is on the minus strand). VCF-style: chr7-93105904-A-G. GRCh37 (hg19) VCF-style: chr7-92735217-A-G.
Other names: c.194T>C, p.Ile65Thr (NM_001193307.2); c.194T>C (NM_017654.3); short protein forms I65T.
Identifiers: ClinVar variation 1394910 (VCV001394910.10), dbSNP rs530019742, ClinGen allele CA4343195.